The following is an entry in ClinVar:

ClinVar aggregate classification (germline): Uncertain significance. Review status: criteria provided, multiple submitters, no conflicts (2 of 4 stars). 2 submissions from 2 submitters: Uncertain significance (2). Last evaluated 2022-06-25.

Allele frequency attached by ClinVar (database versions not stated): gnomAD exomes 0.00002; ExAC 0.00003; TOPMed 0.00005; gnomAD 0.00007; 1000 Genomes Project 0.00020; 1000 Genomes Project 30x 0.00031.
gnomAD v4.1: 20 of 1,614,150 alleles (0.0012%); highest among the groups gnomAD compares: African/African-American, 0.019%; no homozygotes.

Submissions (2):

Labcorp Genetics (formerly Invitae), Labcorp
Classification: Uncertain significance. Last evaluated: 2022-06-25. Review status: criteria provided, single submitter. Criteria: Invitae Variant Classification Sherloc (09022015). Collection method: clinical testing. Allele origin: germline.
Comment: In summary, the available evidence is currently insufficient to determine the role of this variant in disease. Therefore, it has been classified as a Variant of Uncertain Significance. This sequence change replaces threonine, which is neutral and polar, with isoleucine, which is neutral and non-polar, at codon 410 of the BEST1 protein (p.Thr410Ile). This variant is present in population databases (rs146689925, gnomAD 0.02%). This variant has not been reported in the literature in individuals affected with BEST1-related conditions. Advanced modeling of protein sequence and biophysical properties (such as structural, functional, and spatial information, amino acid conservation, physicochemical variation, residue mobility, and thermodynamic stability) performed at Invitae indicates that this missense variant is not expected to disrupt BEST1 protein function.

Blueprint Genetics
Classification: Uncertain significance. Last evaluated: 2021-11-03. Review status: criteria provided, single submitter. Criteria: ACMG Guidelines, 2015. Collection method: clinical testing. Allele origin: germline.

NM_004183.4(BEST1):c.1229C>T (p.Thr410Ile)

Gene: BEST1 (bestrophin 1; plus strand). Cytogenetic location: 11q12.3.
Variant type: single nucleotide variant.
Coding change: c.1229C>T on transcript NM_004183.4 (MANE Select); coding-DNA position 1229, C replaced by T.
Protein change: p.Thr410Ile; replaces threonine 410 with isoleucine.
Molecular consequence: missense variant. On other transcripts: non-coding transcript variant (1).
Genome position (GRCh38, 1-based): chr11:61,962,383, C>T. VCF-style: chr11-61962383-C-T. GRCh37 (hg19) VCF-style: chr11-61729855-C-T.
Other names: c.1049C>T, p.Thr350Ile (NM_001139443.3, NM_001300787.2); c.968C>T, p.Thr323Ile (NM_001300786.2); c.911C>T, p.Thr304Ile (NM_001363591.3); c.*124C>T (NM_001363592.2); c.257C>T, p.Thr86Ile (NM_001363593.3); short protein forms T304I, T323I, T350I, T410I, T86I.
Identifiers: ClinVar variation 2415033 (VCV002415033.7), dbSNP rs146689925, ClinGen allele CA6041026.